The following is an entry in ClinVar:

NM_004100.5(EYA4):c.98A>C (p.Gln33Pro)

Gene: EYA4 (EYA transcriptional coactivator and phosphatase 4; plus strand). Cytogenetic location: 6q23.2.
Variant type: single nucleotide variant.
Coding change: c.98A>C on transcript NM_004100.5 (MANE Select); coding-DNA position 98, A replaced by C.
Protein change: p.Gln33Pro; replaces glutamine 33 with proline.
Molecular consequence: missense variant.
Genome position (GRCh38, 1-based): chr6:133,446,644, A>C. VCF-style: chr6-133446644-A-C. GRCh37 (hg19) VCF-style: chr6-133767782-A-C.
Other names: c.98A>C, p.Gln33Pro (NM_001301012.2, NM_001301013.2, NM_001370458.1 and 3 more transcripts); c.98A>C (NM_004100.4); short protein forms Q33P.
Identifiers: ClinVar variation 2093757 (VCV002093757.6), dbSNP rs2534337764, ClinGen allele CA365837936.
Genomic context (GRCh38, chr6:133,446,644, plus strand): 5'-AACTGCTGCAATTTCAACTTTTCTCTGCTGCTTACTGCTCTACCAGGTCTATGGAAATGC[A>C]GGACCTAGCAAGTCCTCATACTCTTGTTGGAGGTGGTGATACTCCAGGTAGCTCCAAACT-3'
Protein context (NP_004091.3, residues 23-43): QSQNSRSMEM[Gln33Pro]DLASPHTLVG

ClinVar aggregate classification (germline): Uncertain significance. Review status: criteria provided, multiple submitters, no conflicts (2 of 4 stars). 2 submissions from 2 submitters: Uncertain significance (2). Last evaluated 2023-01-18.

Conditions:
Cardiovascular phenotype. Identifiers: MedGen CN230736.
Dilated cardiomyopathy 1J (CMD1J). Also called: CARDIOMYOPATHY, DILATED, WITH SENSORINEURAL HEARING LOSS, AUTOSOMAL DOMINANT. Identifiers: Orphanet 217622, MedGen C1854368, MONDO:0011541, OMIM 605362.

Allele frequency attached by ClinVar (database versions not stated): gnomAD exomes 0.00004.

Submissions (2):

Ambry Genetics
Classification: Uncertain significance for Cardiovascular phenotype. Last evaluated: 2023-01-18. Review status: criteria provided, single submitter. Criteria: Ambry Variant Classification Scheme 2023. Collection method: clinical testing. Allele origin: germline.
Comment: The p.Q33P variant (also known as c.98A>C), located in coding exon 3 of the EYA4 gene, results from an A to C substitution at nucleotide position 98. The glutamine at codon 33 is replaced by proline, an amino acid with similar properties. This amino acid position is conserved. In addition, this alteration is predicted to be deleterious by in silico analysis. Since supporting evidence is limited at this time, the clinical significance of this alteration remains unclear.

Labcorp Genetics (formerly Invitae), Labcorp
Classification: Uncertain significance for Dilated cardiomyopathy 1J. Last evaluated: 2022-02-06. Review status: criteria provided, single submitter. Criteria: Invitae Variant Classification Sherloc (09022015). Collection method: clinical testing. Allele origin: germline.
Comment: This sequence change replaces glutamine, which is neutral and polar, with proline, which is neutral and non-polar, at codon 33 of the EYA4 protein (p.Gln33Pro). This variant is not present in population databases (gnomAD no frequency). This variant has not been reported in the literature in individuals affected with EYA4-related conditions. Algorithms developed to predict the effect of missense changes on protein structure and function are either unavailable or do not agree on the potential impact of this missense change (SIFT: "Deleterious"; PolyPhen-2: "Probably Damaging"; Align-GVGD: "Class C0"). In summary, the available evidence is currently insufficient to determine the role of this variant in disease. Therefore, it has been classified as a Variant of Uncertain Significance.